The following is an entry in ClinVar:

NM_001128840.3(CACNA1D):c.1591G>A (p.Val531Ile)

Gene: CACNA1D (calcium voltage-gated channel subunit alpha1 D; plus strand). Cytogenetic location: 3p21.1.
Variant type: single nucleotide variant.
Coding change: c.1591G>A on transcript NM_001128840.3 (MANE Select); coding-DNA position 1591, G replaced by A.
Protein change: p.Val531Ile; replaces valine 531 with isoleucine.
Molecular consequence: missense variant.
Genome position (GRCh38, 1-based): chr3:53,722,399, G>A. VCF-style: chr3-53722399-G-A. GRCh37 (hg19) VCF-style: chr3-53756426-G-A.
Other names: c.1651G>A (NM_000720.3); c.1651G>A, p.Val551Ile (NM_000720.4); c.1591G>A, p.Val531Ile (NM_001128839.3); short protein forms V531I, V551I.
Identifiers: ClinVar variation 1401949 (VCV001401949.9), dbSNP rs199772983, ClinGen allele CA2454040.

ClinVar aggregate classification (germline): Uncertain significance. Review status: criteria provided, multiple submitters, no conflicts (2 of 4 stars). 2 submissions from 2 submitters: Uncertain significance (2). Last evaluated 2025-12-26.

Conditions:
CACNA1D-related disorder.

Allele frequency attached by ClinVar (database versions not stated): gnomAD exomes 0.00002; ExAC 0.00003; gnomAD 0.00007; TOPMed 0.00007; 1000 Genomes Project 30x 0.00016; 1000 Genomes Project 0.00020.
gnomAD v4.1: 39 of 1,614,180 alleles (0.0024%); highest among the groups gnomAD compares: African/African-American, 0.008%; no homozygotes.

Submissions (2):

PreventionGenetics, part of Exact Sciences
Classification: Uncertain significance for CACNA1D-related condition. Last evaluated: 2025-12-26. Review status: criteria provided, single submitter. Criteria: ACMG Guidelines, 2015. Collection method: clinical testing. Allele origin: germline.
Comment: The CACNA1D c.1651G>A variant is predicted to result in the amino acid substitution p.Val551Ile. To our knowledge, this variant has not been reported in the literature. This variant is reported in 0.018% of alleles in individuals of African descent in gnomAD. At this time, the clinical significance of this variant is uncertain due to the absence of conclusive functional and genetic evidence.

Labcorp Genetics (formerly Invitae), Labcorp
Classification: Uncertain significance. Last evaluated: 2025-05-04. Review status: criteria provided, single submitter. Criteria: Invitae Variant Classification Sherloc (09022015). Collection method: clinical testing. Allele origin: germline.
Comment: This sequence change replaces valine, which is neutral and non-polar, with isoleucine, which is neutral and non-polar, at codon 551 of the CACNA1D protein (p.Val551Ile). This variant is present in population databases (rs199772983, gnomAD 0.02%). This variant has not been reported in the literature in individuals affected with CACNA1D-related conditions. ClinVar contains an entry for this variant (Variation ID: 1401949). Invitae Evidence Modeling of protein sequence and biophysical properties (such as structural, functional, and spatial information, amino acid conservation, physicochemical variation, residue mobility, and thermodynamic stability) indicates that this missense variant is not expected to disrupt CACNA1D protein function with a negative predictive value of 80%. In summary, the available evidence is currently insufficient to determine the role of this variant in disease. Therefore, it has been classified as a Variant of Uncertain Significance.